The following is an entry in ClinVar:

NM_020693.4(DSCAML1):c.3980+4T>A

Gene: DSCAML1 (DS cell adhesion molecule like 1; minus strand). Cytogenetic location: 11q23.3.
Variant type: single nucleotide variant.
Coding change: c.3980+4T>A on transcript NM_020693.4 (MANE Select); 4 bases into the intron after coding-DNA position 3980, T replaced by A.
Molecular consequence: intron variant.
Genome position (GRCh38, 1-based): chr11:117,439,815, A>T on the plus strand (T>A on the coding strand, the complement: DSCAML1 is on the minus strand). VCF-style: chr11-117439815-A-T. GRCh37 (hg19) VCF-style: chr11-117310531-A-T.
Identifiers: ClinVar variation 1908131 (VCV001908131.5), dbSNP rs1425901849, ClinGen allele CA672232312.

ClinVar aggregate classification (germline): Uncertain significance (1 of 4 stars; one submission).

Allele frequency attached by ClinVar (database versions not stated): TOPMed 0.00001.

Submission:

Labcorp Genetics (formerly Invitae), Labcorp
Classification: Uncertain significance. Last evaluated: 2022-10-18. Review status: criteria provided, single submitter. Criteria: Invitae Variant Classification Sherloc (09022015). Collection method: clinical testing. Allele origin: germline.
Comment: In summary, the available evidence is currently insufficient to determine the role of this variant in disease. Therefore, it has been classified as a Variant of Uncertain Significance. Variants that disrupt the consensus splice site are a relatively common cause of aberrant splicing (PMID: 17576681, 9536098). Algorithms developed to predict the effect of sequence changes on RNA splicing suggest that this variant is not likely to affect RNA splicing. This variant has not been reported in the literature in individuals affected with DSCAML1-related conditions. This variant is not present in population databases (gnomAD no frequency). This sequence change falls in intron 22 of the DSCAML1 gene. It does not directly change the encoded amino acid sequence of the DSCAML1 protein. It affects a nucleotide within the consensus splice site.

Literature cited by the submitters: PubMed 17576681; PubMed 9536098.